The following is an entry in ClinVar:

ClinVar aggregate classification (germline): Benign (1 of 4 stars; one submission).

Conditions:
Hereditary diffuse leukoencephalopathy with spheroids. Also called: LEUKOENCEPHALOPATHY, ADULT-ONSET, WITH AXONAL SPHEROIDS AND PIGMENTED GLIA. Identifiers: Orphanet 313808, MedGen C3711381, MONDO:0030796.

Allele frequency attached by ClinVar (database versions not stated): gnomAD exomes 0.00024; 1000 Genomes Project 30x 0.00187; gnomAD 0.00247 and 0.00270; TOPMed 0.00294; 1000 Genomes Project 0.00220.
gnomAD v4.1: 710 of 1,506,640 alleles (0.047%); highest among the groups gnomAD compares: African/African-American, 0.81%; 2 homozygotes.

Submission:

Illumina Laboratory Services, Illumina
Classification: Benign for Leukoencephalopathy, diffuse hereditary, with spheroids 1. Last evaluated: 2018-01-13. Review status: criteria provided, single submitter. Criteria: ICSL Variant Classification Criteria 13 December 2019. Collection method: clinical testing. Allele origin: germline.
Comment: This variant was observed in the ICSL laboratory as part of a predisposition screen in an ostensibly healthy population. It had not been previously curated by ICSL or reported in the Human Gene Mutation Database (HGMD: prior to June 1st, 2018), and was therefore a candidate for classification through an automated scoring system. Utilizing variant allele frequency, disease prevalence and penetrance estimates, and inheritance mode, an automated score was calculated to assess if this variant is too frequent to cause the disease. Based on the score and internal cut-off values, a variant classified as benign is not then subjected to further curation. The score for this variant resulted in a classification of benign for this disease.

NM_001288705.3(CSF1R):c.*64C>T

Gene: CSF1R (colony stimulating factor 1 receptor; minus strand). Cytogenetic location: 5q32.
Variant type: single nucleotide variant.
Coding change: c.*64C>T on transcript NM_001288705.3 (MANE Select); 64 bases downstream of the stop codon, C replaced by T.
Molecular consequence: 3 prime UTR variant. On other transcripts: non-coding transcript variant (2).
Genome position (GRCh38, 1-based): chr5:150,054,005, G>A on the plus strand (C>T on the coding strand, the complement: CSF1R is on the minus strand). VCF-style: chr5-150054005-G-A. GRCh37 (hg19) VCF-style: chr5-149433568-G-A.
Other names: c.*64C>T (NM_001349736.2, NM_001375320.1, NM_001375321.1 and 1 more transcripts).
Identifiers: ClinVar variation 352119 (VCV000352119.5), dbSNP rs144642625, ClinGen allele CA10623699.